The following is an entry in ClinVar:

ClinVar aggregate classification (germline): Uncertain significance. Review status: criteria provided, multiple submitters, no conflicts (2 of 4 stars). 2 submissions from 2 submitters: Uncertain significance (2). Last evaluated 2023-05-18.

Conditions:
Inborn genetic diseases. Identifiers: MedGen C0950123, MeSH D030342.
Primary ciliary dyskinesia 27. Also called: CILIARY DYSKINESIA, PRIMARY, 27, WITHOUT SITUS INVERSUS. Identifiers: Orphanet 244, MedGen C3809701, MONDO:0014215, OMIM 615504.

Allele frequency attached by ClinVar (database versions not stated): gnomAD 0.00001; TOPMed 0.00001; ExAC 0.00002; gnomAD exomes 0.00002.
gnomAD v4.1: 45 of 1,613,820 alleles (0.0028%); highest among the groups gnomAD compares: Middle Eastern, 0.049%; no homozygotes.

Submissions (2):

Ambry Genetics
Classification: Uncertain significance for Inborn genetic diseases. Last evaluated: 2023-05-18. Review status: criteria provided, single submitter. Criteria: Ambry Variant Classification Scheme 2023. Collection method: clinical testing. Allele origin: germline.

Labcorp Genetics (formerly Invitae), Labcorp
Classification: Uncertain significance for Primary ciliary dyskinesia 27. Last evaluated: 2023-04-05. Review status: criteria provided, single submitter. Criteria: Invitae Variant Classification Sherloc (09022015). Collection method: clinical testing. Allele origin: germline.
Comment: ClinVar contains an entry for this variant (Variation ID: 568740). In summary, the available evidence is currently insufficient to determine the role of this variant in disease. Therefore, it has been classified as a Variant of Uncertain Significance. An algorithm developed to predict the effect of missense changes on protein structure and function (PolyPhen-2) suggests that this variant is likely to be disruptive. This variant has not been reported in the literature in individuals affected with CCDC65-related conditions. This variant is present in population databases (rs772291948, gnomAD 0.003%). This sequence change replaces arginine, which is basic and polar, with glutamine, which is neutral and polar, at codon 70 of the CCDC65 protein (p.Arg70Gln).

NM_033124.5(CCDC65):c.209G>A (p.Arg70Gln)

Gene: CCDC65 (coiled-coil domain containing 65; plus strand). Cytogenetic location: 12q13.12.
Variant type: single nucleotide variant.
Coding change: c.209G>A on transcript NM_033124.5 (MANE Select); coding-DNA position 209, G replaced by A.
Protein change: p.Arg70Gln; replaces arginine 70 with glutamine.
Molecular consequence: missense variant. On other transcripts: 5 prime UTR variant (1).
Genome position (GRCh38, 1-based): chr12:48,905,022, G>A. VCF-style: chr12-48905022-G-A. GRCh37 (hg19) VCF-style: chr12-49298805-G-A.
Other names: c.-221G>A (NM_001286957.2); short protein forms R70Q.
Identifiers: ClinVar variation 568740 (VCV000568740.8), dbSNP rs772291948, ClinGen allele CA6543181.